The following is an entry in ClinVar:

NM_015557.3(CHD5):c.79+5G>A

Gene: CHD5 (chromodomain helicase DNA binding protein 5; minus strand). Cytogenetic location: 1p36.31.
Variant type: single nucleotide variant.
Coding change: c.79+5G>A on transcript NM_015557.3 (MANE Select); 5 bases into the intron after coding-DNA position 79, G replaced by A.
Molecular consequence: intron variant.
Genome position (GRCh38, 1-based): chr1:6,179,940, C>T on the plus strand (G>A on the coding strand, the complement: CHD5 is on the minus strand). VCF-style: chr1-6179940-C-T. GRCh37 (hg19) VCF-style: chr1-6240000-C-T.
Identifiers: ClinVar variation 3236602 (VCV003236602.2), dbSNP rs1280561737, ClinGen allele CA737605881.

ClinVar aggregate classification (germline): Uncertain significance. Review status: criteria provided, multiple submitters, no conflicts (2 of 4 stars). 2 submissions from 2 submitters: Uncertain significance (2). Last evaluated 2024-04-15.

Conditions:
Parenti-mignot neurodevelopmental syndrome. Identifiers: MedGen C5676984, MONDO:0859249, OMIM 619873.

Allele frequency attached by ClinVar (database versions not stated): TOPMed 0.00003; gnomAD 0.00001.
gnomAD v4.1: 4 of 1,334,276 alleles (0.0003%); highest among the groups gnomAD compares: African/African-American, 0.0031%; no homozygotes.

Submissions (2):

Clinical Genomics Laboratory, Washington University in St. Louis
Classification: Uncertain significance for Parenti-mignot neurodevelopmental syndrome. Last evaluated: 2024-04-15. Review status: criteria provided, single submitter. Criteria: ACMG Guidelines, 2015. Collection method: clinical testing. Allele origin: germline.
Comment: The CHD5 c.79+5G>A variant, to our knowledge, has not been reported in the medical literature and is absent from the general population (gnomAD v.2.1.1), indicating it is not a common variant. This variant occurs in the +5 position relative to the exon, a position that is considered critical for splicing and computational predictors indicate that this variant would alter splicing, evidence that may correlate to an impact of this variant on CHD5 function. Additionally, differential control of mRNA splicing has been hypothesized to lead to incomplete penetrance and variable expressivity (Einson J et al., PMID: 37348055). Due to limited information, and based on ACMG/AMP guidelines for variant interpretation (Richards S et al., PMID: 25741868), the clinical significance of this variant is uncertain at this time.

Revvity Omics, Revvity
Classification: Uncertain significance for Parenti-mignot neurodevelopmental syndrome. Last evaluated: 2023-10-13. Review status: criteria provided, single submitter. Criteria: ACMG Guidelines, 2015. Collection method: clinical testing. Allele origin: germline.